The following is an entry in ClinVar:

ClinVar aggregate classification (germline): Benign (1 of 4 stars; one submission).

Allele frequency attached by ClinVar (database versions not stated): TOPMed 0.16803; 1000 Genomes Project 0.21166; 1000 Genomes Project 30x 0.20909.
gnomAD v4.1: 121,782 of 782,420 alleles (16%); highest among the groups gnomAD compares: East Asian, 34%; 10,880 homozygotes.

Submission:

GeneDx
Classification: Benign. Last evaluated: 2018-06-18. Review status: criteria provided, single submitter. Criteria: GeneDx Variant Classification (06012015). Collection method: clinical testing. Allele origin: germline. Affected: yes.
Comment: This variant is considered likely benign or benign based on one or more of the following criteria: it is a conservative change, it occurs at a poorly conserved position in the protein, it is predicted to be benign by multiple in silico algorithms, and/or has population frequency not consistent with disease.

NM_004408.4(DNM1):c.589+135G>C

Genes: DNM1 (dynamin 1; plus strand), LOC113839516 (Sharpr-MPRA regulatory region 8497; plus strand). Cytogenetic location: 9q34.11.
Variant type: single nucleotide variant.
Coding change: c.589+135G>C on transcript NM_004408.4 (MANE Select); 135 bases into the intron after coding-DNA position 589, G replaced by C.
Molecular consequence: intron variant.
Genome position (GRCh38, 1-based): chr9:128,219,387, G>C. VCF-style: chr9-128219387-G-C. GRCh37 (hg19) VCF-style: chr9-130981666-G-C.
Other names: c.589+135G>C (NM_001005336.3, NM_001288738.2, NM_001288737.2 and 1 more transcripts).
Identifiers: ClinVar variation 679313 (VCV000679313.1), dbSNP rs73672448, ClinGen allele CA13076033.